The following is an entry in ClinVar:

ClinVar aggregate classification (germline): Uncertain significance (1 of 4 stars; one submission).

Submission:

Women's Health and Genetics/Laboratory Corporation of America, LabCorp
Classification: Uncertain significance. Last evaluated: 2024-07-09. Review status: criteria provided, single submitter. Criteria: LabCorp Variant Classification Summary - May 2015. Collection method: clinical testing. Allele origin: germline.
Comment: Variant summary: NALCN c.2848A>G (p.Ile950Val) results in a conservative amino acid change located in the Ion transport domain (IPR005821) of the encoded protein sequence. Three of five in-silico tools predict a benign effect of the variant on protein function. The variant was absent in 250340 control chromosomes. The available data on variant occurrences in the general population are insufficient to allow any conclusion about variant significance. To our knowledge, no occurrence of c.2848A>G in individuals affected with Congenital Contractures Of The Limbs And Face, Hypotonia, And Developmental Delay and no experimental evidence demonstrating its impact on protein function have been reported. No submitters have cited clinical-significance assessments for this variant to ClinVar. Based on the evidence outlined above, the variant was classified as uncertain significance.

NM_052867.4(NALCN):c.2848A>G (p.Ile950Val)

Gene: NALCN (sodium leak channel, non-selective; minus strand). Cytogenetic location: 13q33.1.
Variant type: single nucleotide variant.
Coding change: c.2848A>G on transcript NM_052867.4 (MANE Select); coding-DNA position 2848, A replaced by G.
Protein change: p.Ile950Val; replaces isoleucine 950 with valine.
Molecular consequence: missense variant.
Genome position (GRCh38, 1-based): chr13:101,104,336, T>C on the plus strand (A>G on the coding strand, the complement: NALCN is on the minus strand). VCF-style: chr13-101104336-T-C. GRCh37 (hg19) VCF-style: chr13-101756687-T-C.
Other names: c.2935A>G, p.Ile979Val (NM_001350748.2); c.2848A>G, p.Ile950Val (NM_001350749.2); c.2761A>G, p.Ile921Val (NM_001350750.2, NM_001350751.2); short protein forms I921V, I950V, I979V.
Identifiers: ClinVar variation 3339039 (VCV003339039.1).